The following is an entry in ClinVar:

NM_000132.4(F8):c.743C>G (p.Pro248Arg)

Gene: F8 (coagulation factor VIII; minus strand). Cytogenetic location: Xq28.
Variant type: single nucleotide variant.
Coding change: c.743C>G on transcript NM_000132.4 (MANE Select); coding-DNA position 743, C replaced by G.
Protein change: p.Pro248Arg; replaces proline 248 with arginine.
Molecular consequence: missense variant.
Genome position (GRCh38, 1-based): chrX:154,984,731, G>C on the plus strand (C>G on the coding strand, the complement: F8 is on the minus strand). VCF-style: chrX-154984731-G-C. GRCh37 (hg19) VCF-style: chrX-154213006-G-C.
Other names: short protein forms P248R.
Identifiers: ClinVar variation 4685824 (VCV004685824.1).

ClinVar aggregate classification (germline): Uncertain significance (1 of 4 stars; one submission).

Submission:

ARUP Laboratories, Molecular Genetics and Genomics, ARUP Laboratories
Classification: Uncertain significance. Last evaluated: 2025-05-19. Review status: criteria provided, single submitter. Criteria: ARUP Molecular Germline Variant Investigation Process 2024. Collection method: clinical testing. Allele origin: germline.
Comment: The F8 c.743C>G; p.Pro248Arg variant (rs2073549381), to our knowledge, is not reported in the medical literature or gene specific databases. This variant is also absent from the Genome Aggregation Database (v2.1.1), indicating it is not a common polymorphism. Computational analyses are uncertain whether this variant is neutral or deleterious (REVEL: 0.502). Due to limited information, the clinical significance of this variant is uncertain at this time.